The following is an entry in ClinVar:

ClinVar aggregate classification (germline): Uncertain significance (1 of 4 stars; one submission).

Conditions:
Hereditary spastic paraplegia 6 (SPG6). Also called: SPASTIC PARAPLEGIA 6, AUTOSOMAL DOMINANT. Identifiers: Orphanet 100988, MedGen C1838192, MONDO:0010878, OMIM 600363.

Submission:

Labcorp Genetics (formerly Invitae), Labcorp
Classification: Uncertain significance for Hereditary spastic paraplegia 6. Last evaluated: 2024-12-03. Review status: criteria provided, single submitter. Criteria: Invitae Variant Classification Sherloc (09022015). Collection method: clinical testing. Allele origin: germline.
Comment: This variant, c.33_47del, results in the deletion of 5 amino acid(s) of the NIPA1 protein (p.Ala12_Ala16del), but otherwise preserves the integrity of the reading frame. The frequency data for this variant in the population databases is considered unreliable, as metrics indicate insufficient coverage at this position in the gnomAD database. This variant has not been reported in the literature in individuals affected with NIPA1-related conditions. This variant has been observed in at least one individual who was not affected with NIPA1-related conditions (internal data). Experimental studies and prediction algorithms are not available or were not evaluated, and the functional significance of this variant is currently unknown. In summary, the available evidence is currently insufficient to determine the role of this variant in disease. Therefore, it has been classified as a Variant of Uncertain Significance.

NM_144599.5(NIPA1):c.24GGC[3] (p.Ala12_Ala16del)

Genes: NIPA1 (NIPA magnesium transporter 1; plus strand), LOC130056709 (ATAC-STARR-seq lymphoblastoid silent region 6259; plus strand). Cytogenetic location: 15q11.2.
Variant type: Microsatellite.
Coding change: c.24GGC[3] on transcript NM_144599.5 (MANE Select); three copies in a row of the 3-base unit GGC starting at c.24; the reference has eight copies in a row; five copies, 15 bases deleted.
Protein change: p.Ala12_Ala16del.
Molecular consequence: inframe deletion. On other transcripts: intron variant (1).
Genome position (GRCh38, 1-based): chr15:22,786,689-22,786,703, GGCGGCGGCGGCGGC deleted; deleting any 15 consecutive bases within chr15:22,786,678-22,786,703 gives the same sequence; the position shown is the placement nearest the transcript's 3' end. VCF-style (leftmost placement, unchanged base first): chr15-22786677-AGCGGCGGCGGCGGCG-A. GRCh37 (hg19) VCF-style: chr15-23086364-GGCCGCCGCCGCCGCC-G.
Other names: c.-48+430GCG[3] (NM_001142275.1).
Identifiers: ClinVar variation 642752 (VCV000642752.7), dbSNP rs531550505, ClinGen allele CA7426229.